The following is an entry in ClinVar:

NM_006904.7(PRKDC):c.2678G>A (p.Ser893Asn)

Gene: PRKDC (protein kinase, DNA-activated, catalytic subunit; minus strand). Cytogenetic location: 8q11.21.
Variant type: single nucleotide variant.
Coding change: c.2678G>A on transcript NM_006904.7 (MANE Select); coding-DNA position 2678, G replaced by A.
Protein change: p.Ser893Asn; replaces serine 893 with asparagine.
Molecular consequence: missense variant.
Genome position (GRCh38, 1-based): chr8:47,914,004, C>T on the plus strand (G>A on the coding strand, the complement: PRKDC is on the minus strand). VCF-style: chr8-47914004-C-T. GRCh37 (hg19) VCF-style: chr8-48826564-C-T.
Other names: c.2678G>A, p.Ser893Asn (NM_001081640.2); short protein forms S893N.
Identifiers: ClinVar variation 1794628 (VCV001794628.3), dbSNP rs763118530, ClinGen allele CA4741397.

ClinVar aggregate classification (germline): Uncertain significance. Review status: criteria provided, multiple submitters, no conflicts (2 of 4 stars). 2 submissions from 2 submitters: Uncertain significance (2). Last evaluated 2022-12-12.

Allele frequency attached by ClinVar (database versions not stated): gnomAD exomes below 0.00001; TOPMed below 0.00001; ExAC 0.00001; gnomAD 0.00001.
gnomAD v4.1: 3 of 1,603,076 alleles (0.00019%); highest among the groups gnomAD compares: Middle Eastern, 0.033%; no homozygotes.

Submissions (2):

Blueprint Genetics
Classification: Uncertain significance. Last evaluated: 2022-12-12. Review status: criteria provided, single submitter. Criteria: ACMG Guidelines, 2015. Collection method: clinical testing. Allele origin: germline.

Ambry Genetics
Classification: Uncertain significance. Last evaluated: 2022-06-11. Review status: criteria provided, single submitter. Criteria: Ambry Variant Classification Scheme 2023. Collection method: clinical testing. Allele origin: germline.
Comment: The p.S893N variant (also known as c.2678G>A), located in coding exon 24 of the PRKDC gene, results from a G to A substitution at nucleotide position 2678. The serine at codon 893 is replaced by asparagine, an amino acid with highly similar properties. This amino acid position is conserved. In addition, this alteration is predicted to be tolerated by in silico analysis. Since supporting evidence is limited at this time, the clinical significance of this alteration remains unclear.